The following is an entry in ClinVar:

ClinVar aggregate classification (germline): Conflicting classifications of pathogenicity. Review status: criteria provided, conflicting classifications (1 of 4 stars). 6 submissions from 6 submitters: Pathogenic (1); Likely pathogenic (3); Uncertain significance (1). 1 of the submissions does not count toward it. Last evaluated 2025-09-10.

Conditions:
Very long chain acyl-CoA dehydrogenase deficiency (ACADVLD). Also called: VLCAD Deficiency; Very Long-Chain Acyl-Coenzyme A Dehydrogenase Deficiency. Identifiers: Orphanet 26793, MedGen C3887523, MONDO:0008723, OMIM 201475.

Allele frequency attached by ClinVar (database versions not stated): gnomAD exomes 0.00001; ExAC 0.00002.
gnomAD v4.1: 13 of 1,614,012 alleles (0.00081%); highest among the groups gnomAD compares: South Asian, 0.013%; no homozygotes.

Submissions (6):

Genomic Medicine Center of Excellence, King Faisal Specialist Hospital and Research Centre
Classification: Uncertain significance for Very long chain acyl-CoA dehydrogenase deficiency. Last evaluated: 2025-09-10. Review status: criteria provided, single submitter. Criteria: ACMG Guidelines, 2015. Collection method: clinical testing. Allele origin: germline.

Mayo Clinic Laboratories, Mayo Clinic
Classification: Likely pathogenic. Last evaluated: 2024-08-12. Review status: criteria provided, single submitter. Criteria: ACMG Guidelines, 2015. Collection method: clinical testing. Allele origin: germline. Observed: 1 variant allele.
Comment: PP3, PP4_moderate, PM2, PM3

GeneDx
Classification: Pathogenic. Last evaluated: 2020-09-21. Review status: criteria provided, single submitter. Criteria: GeneDx Variant Classification Process June 2021. Collection method: clinical testing. Allele origin: germline. Affected: yes.
Comment: Published functional studies demonstrate c.1183-15 A>G results in severely decreased normal sized VLCAD mRNA and no residual enzyme activity by Northern blot (Andresen et al., 1999); Not observed at a significant frequency in large population cohorts (Lek et al., 2016); This variant is associated with the following publications: (PMID: 32061778, 9973285)

Labcorp Genetics (formerly Invitae), Labcorp
Classification: Likely pathogenic for Very long chain acyl-CoA dehydrogenase deficiency. Last evaluated: 2019-08-07. Review status: criteria provided, single submitter. Criteria: Invitae Variant Classification Sherloc (09022015). Collection method: clinical testing. Allele origin: germline.
Comment: This sequence change falls in intron 11 of the ACADVL gene. It does not directly change the encoded amino acid sequence of the ACADVL protein. This variant is present in population databases (rs765390290, ExAC 0.01%). This variant has been observed in an individual affected with very long-chain acyl-CoA dehydrogenase deficiency (PMID: 9973285). ClinVar contains an entry for this variant (Variation ID: 439363). Experimental studies have shown that this variant disrupts mRNA splicing (PMID: 9973285). In summary, the currently available evidence indicates that the variant is pathogenic, but additional data are needed to prove that conclusively. Therefore, this variant has been classified as Likely Pathogenic.

ARUP Laboratories, Molecular Genetics and Genomics, ARUP Laboratories
Classification: Likely pathogenic. Last evaluated: 2017-03-28. Review status: criteria provided, single submitter. Criteria: ARUP Molecular Germline Variant Investigation Process. Collection method: clinical testing. Allele origin: germline.

Counsyl
Classification: Uncertain significance for Very long chain acyl-CoA dehydrogenase deficiency. Last evaluated: 2017-08-25. Review status: no assertion criteria provided. Collection method: clinical testing. Allele origin: unknown. Not counted in ClinVar's aggregate classification.

Literature cited by the submitters: PubMed 32061778 (cited by Mayo Clinic Laboratories, Mayo Clinic); PubMed 32778825 (cited by Mayo Clinic Laboratories, Mayo Clinic); PubMed 9973285 (cited by 3 submitters).

NM_000018.4(ACADVL):c.1183-15A>G

Gene: ACADVL (acyl-CoA dehydrogenase very long chain; plus strand). Cytogenetic location: 17p13.1.
Variant type: single nucleotide variant.
Coding change: c.1183-15A>G on transcript NM_000018.4 (MANE Select); 15 bases into the intron before coding-DNA position 1183, A replaced by G.
Molecular consequence: intron variant.
Genome position (GRCh38, 1-based): chr17:7,223,629, A>G. VCF-style: chr17-7223629-A-G. GRCh37 (hg19) VCF-style: chr17-7126948-A-G.
Other names: p.?; c.1252-15A>G (NM_001270447.2, NM_001270447.1); c.955-15A>G (NM_001270448.2); c.1117-15A>G (NM_001033859.3).
Identifiers: ClinVar variation 439363 (VCV000439363.17), dbSNP rs765390290, ClinGen allele CA8338032.